The following is an entry in ClinVar:

NM_001112.4(ADARB1):c.1629G>A (p.Ser543=)

Gene: ADARB1 (adenosine deaminase RNA specific B1; plus strand). Cytogenetic location: 21q22.3.
Variant type: single nucleotide variant.
Coding change: c.1629G>A on transcript NM_001112.4 (MANE Select); coding-DNA position 1629, G replaced by A.
Protein change: p.Ser543=; no amino-acid change (serine 543 retained).
Molecular consequence: synonymous variant. On other transcripts: non-coding transcript variant (5).
Genome position (GRCh38, 1-based): chr21:45,204,618, G>A. VCF-style: chr21-45204618-G-A. GRCh37 (hg19) VCF-style: chr21-46624533-G-A.
Other names: c.1629G>A, p.Ser543= (NM_001160230.2, NM_001346688.2); c.1896G>A, p.Ser632= (NM_001346687.2); c.1776G>A, p.Ser592= (NM_001410722.1); c.1749G>A, p.Ser583= (NM_015833.4, NM_015834.4).
Identifiers: ClinVar variation 3905515 (VCV003905515.10).

ClinVar aggregate classification (germline): Likely benign (1 of 4 stars; one submission).

gnomAD v4.1: 44 of 1,614,000 alleles (0.0027%); highest among the groups gnomAD compares: African/African-American, 0.0093%; no homozygotes.

Submission:

CeGaT Center for Human Genetics Tuebingen
Classification: Likely benign. Last evaluated: 2025-06-01. Review status: criteria provided, single submitter. Criteria: CeGaT Center For Human Genetics Tuebingen Variant Classification Criteria Version 2. Collection method: clinical testing. Allele origin: germline. Affected: yes. Observed: 1 variant allele.
Comment: ADARB1: BP4, BP7